The following is an entry in ClinVar:

NM_002439.5(MSH3):c.2420G>A (p.Trp807Ter)

Gene: MSH3 (mutS homolog 3; plus strand). Cytogenetic location: 5q14.1.
Variant type: single nucleotide variant.
Coding change: c.2420G>A on transcript NM_002439.5 (MANE Select); coding-DNA position 2420, G replaced by A.
Protein change: p.Trp807Ter; replaces tryptophan 807 with a stop codon.
Molecular consequence: nonsense.
Genome position (GRCh38, 1-based): chr5:80,778,821, G>A. VCF-style: chr5-80778821-G-A. GRCh37 (hg19) VCF-style: chr5-80074640-G-A.
Other names: c.2420G>A (NM_002439.3); short protein forms W807*.
Identifiers: ClinVar variation 1069698 (VCV001069698.8), dbSNP rs2112007993, ClinGen allele CA360281909.

ClinVar aggregate classification (germline): Pathogenic. Review status: criteria provided, multiple submitters, no conflicts (2 of 4 stars). 3 submissions from 3 submitters: Pathogenic (3). Last evaluated 2025-01-02.

Conditions:
Familial adenomatous polyposis 4 (FAP4). Also called: MSH3-related attenuated familial adenomatous polyposis. Identifiers: Orphanet 480536, MedGen C4310719, MONDO:0044300, OMIM 617100.
Hereditary cancer-predisposing syndrome. Also called: Hereditary neoplastic syndrome; Tumor predisposition; Hereditary Cancer Syndrome; Neoplastic Syndromes, Hereditary. Identifiers: Orphanet 140162, MedGen C0027672, MeSH D009386, MONDO:0015356.

Submissions (3):

Labcorp Genetics (formerly Invitae), Labcorp
Classification: Pathogenic. Last evaluated: 2025-01-02. Review status: criteria provided, single submitter. Criteria: Invitae Variant Classification Sherloc (09022015). Collection method: clinical testing. Allele origin: germline.
Comment: This sequence change creates a premature translational stop signal (p.Trp807*) in the MSH3 gene. It is expected to result in an absent or disrupted protein product. Loss-of-function variants in MSH3 are known to be pathogenic (PMID: 27476653, 37402566). This variant is not present in population databases (gnomAD no frequency). This variant has not been reported in the literature in individuals affected with MSH3-related conditions. ClinVar contains an entry for this variant (Variation ID: 1069698). Algorithms developed to predict the effect of sequence changes on RNA splicing suggest that this variant may disrupt the consensus splice site. For these reasons, this variant has been classified as Pathogenic.

Ambry Genetics
Classification: Pathogenic for Hereditary cancer-predisposing syndrome. Last evaluated: 2024-04-16. Review status: criteria provided, single submitter. Criteria: Ambry Variant Classification Scheme 2023. Collection method: clinical testing. Allele origin: germline.
Comment: The p.W807* pathogenic mutation (also known as c.2420G>A), located in coding exon 17 of the MSH3 gene, results from a G to A substitution at nucleotide position 2420. This changes the amino acid from a tryptophan to a stop codon within coding exon 17. This variant is considered to be rare based on population cohorts in the Genome Aggregation Database (gnomAD). This alteration is expected to result in loss of function by premature protein truncation or nonsense-mediated mRNA decay. As such, this alteration is interpreted as a disease-causing mutation.

Myriad Genetics, Inc.
Classification: Pathogenic for Familial adenomatous polyposis 4. Last evaluated: 2023-08-30. Review status: criteria provided, single submitter. Criteria: Myriad Autosomal Dominant, Autosomal Recessive and X-Linked Classification Criteria (2023). Collection method: clinical testing. Allele origin: unknown.
Comment: This variant is considered pathogenic. This variant creates a termination codon and is predicted to result in premature protein truncation.

Literature cited by the submitters: PubMed 27476653 (cited by Labcorp Genetics (formerly Invitae), Labcorp); PubMed 37402566 (cited by Labcorp Genetics (formerly Invitae), Labcorp).